The following is an entry in ClinVar:

NM_005670.4(EPM2A):c.92G>A (p.Arg31His)

Genes: EPM2A (EPM2A glucan phosphatase, laforin; minus strand), EPM2A-DT (EPM2A divergent transcript; plus strand), LOC129997381 (ATAC-STARR-seq lymphoblastoid silent region 17642; plus strand). Cytogenetic location: 6q24.3.
Variant type: single nucleotide variant.
Coding change: c.92G>A on transcript NM_005670.4 (MANE Select); coding-DNA position 92, G replaced by A.
Protein change: p.Arg31His; replaces arginine 31 with histidine.
Molecular consequence: missense variant. On other transcripts: 5 prime UTR variant (3), intron variant (1).
Genome position (GRCh38, 1-based): chr6:145,735,407, C>T on the plus strand (G>A on the coding strand, the complement: EPM2A is on the minus strand). VCF-style: chr6-145735407-C-T. GRCh37 (hg19) VCF-style: chr6-146056543-C-T.
Other names: c.92G>A, p.Arg31His (NM_001018041.2, NM_001360057.2, NM_001368130.1); c.-578G>A (NM_001360071.2); c.-532G>A (NM_001368129.2); c.-276G>A (NM_001368131.1); c.-114+501G>A (NM_001360064.2); short protein forms R31H.
Identifiers: ClinVar variation 570819 (VCV000570819.9), dbSNP rs1562535536, ClinGen allele CA366188427.

ClinVar aggregate classification (germline): Uncertain significance (1 of 4 stars; one submission).

Conditions:
Progressive myoclonic epilepsy. Also called: Familial progressive myoclonic epilepsy; Myoclonus epilepsy; Progressive myoclonus epilepsy; Myoclonic Epilepsies, Progressive. Identifiers: Orphanet 308, Orphanet 98261, MedGen C0751778, MONDO:0020074.

gnomAD v4.1: 1 of 1,240,532 alleles (0.000081%); highest among the groups gnomAD compares: Admixed American, 0.0034%; no homozygotes.

Submission:

Labcorp Genetics (formerly Invitae), Labcorp
Classification: Uncertain significance for Progressive myoclonic epilepsy. Last evaluated: 2024-10-24. Review status: criteria provided, single submitter. Criteria: Invitae Variant Classification Sherloc (09022015). Collection method: clinical testing. Allele origin: germline.
Comment: This sequence change replaces arginine, which is basic and polar, with histidine, which is basic and polar, at codon 31 of the EPM2A protein (p.Arg31His). This variant is not present in population databases (gnomAD no frequency). This variant has not been reported in the literature in individuals affected with EPM2A-related conditions. ClinVar contains an entry for this variant (Variation ID: 570819). An algorithm developed to predict the effect of missense changes on protein structure and function outputs the following: PolyPhen-2: "Benign". The histidine amino acid residue is found in multiple mammalian species, which suggests that this missense change does not adversely affect protein function. In summary, the available evidence is currently insufficient to determine the role of this variant in disease. Therefore, it has been classified as a Variant of Uncertain Significance.